The following is an entry in ClinVar:

ClinVar aggregate classification (germline): Uncertain significance. Review status: criteria provided, multiple submitters, no conflicts (2 of 4 stars). 2 submissions from 2 submitters: Uncertain significance (2). Last evaluated 2024-07-01.

Conditions:
Mitochondrial hypertrophic cardiomyopathy with lactic acidosis due to MTO1 deficiency. Also called: CARDIOMYOPATHY, INFANTILE HYPERTROPHIC MITOCHONDRIAL, AND LACTIC ACIDOSIS; Combined oxidative phosphorylation deficiency 10. Identifiers: Orphanet 314637, MedGen C4749921, MONDO:0013865, OMIM 614702.

Allele frequency attached by ClinVar (database versions not stated): gnomAD 0.00001.
gnomAD v4.1: 6 of 1,612,686 alleles (0.00037%); highest among the groups gnomAD compares: Non-Finnish European, 0.00051%; no homozygotes.

Submissions (2):

GeneDx
Classification: Uncertain significance. Last evaluated: 2024-07-01. Review status: criteria provided, single submitter. Criteria: GeneDx Variant Classification Process June 2021. Collection method: clinical testing. Allele origin: germline.
Comment: Has not been previously published as pathogenic or benign to our knowledge; Not observed at significant frequency in large population cohorts (gnomAD); In silico analysis supports that this missense variant has a deleterious effect on protein structure/function

Clinical Genomics Laboratory, Stanford Medicine
Classification: Uncertain significance for Mitochondrial hypertrophic cardiomyopathy with lactic acidosis due to MTO1 deficiency. Last evaluated: 2021-12-28. Review status: criteria provided, single submitter. Criteria: ACMG Guidelines, 2015. Collection method: clinical testing. Allele origin: germline. Observed: 1 variant allele, 1 heterozygote.
Comment: The p.Arg629Gln variant in the MTO1 gene has not been previously reported in association with disease. This variant was absent from large population databases, including the Genome Aggregation Database. Computational tools predict that this variant does not impact protein function; however, the accuracy of in silico algorithms is limited. These data were assessed using the ACMG/AMP variant interpretation guidelines. In summary, the significance of the p.Arg629Gln variant is uncertain. Additional information is needed to resolve the significance of this variant. [ACMG evidence codes used: PM2]

NM_012123.4(MTO1):c.1886G>A (p.Arg629Gln)

Gene: MTO1 (mitochondrial tRNA translation optimization 1; plus strand). Cytogenetic location: 6q13.
Variant type: single nucleotide variant.
Coding change: c.1886G>A on transcript NM_012123.4 (MANE Select); coding-DNA position 1886, G replaced by A.
Protein change: p.Arg629Gln; replaces arginine 629 with glutamine.
Molecular consequence: missense variant.
Genome position (GRCh38, 1-based): chr6:73,497,865, G>A. VCF-style: chr6-73497865-G-A. GRCh37 (hg19) VCF-style: chr6-74207588-G-A.
Other names: c.2006G>A, p.Arg669Gln (NM_001123226.2); c.1961G>A, p.Arg654Gln (NM_133645.3); short protein forms R629Q, R654Q, R669Q.
Identifiers: ClinVar variation 2662813 (VCV002662813.3), dbSNP rs894440027, ClinGen allele CA364701240.
Genomic context (GRCh38, chr6:73,497,865, plus strand): 5'-AACTGCCAAAAGACCTAGATTATTTGACTATCAGGGATGTGTCTTTGTCCCATGAAGTTC[G>A]AGAGAAACTACATTTTAGTCGTCCACAGACGGTAAGAAAATAGGCAGGAGAATAGAAACA-3'
Protein context (NP_036255.2, residues 619-639): IRDVSLSHEV[Arg629Gln]EKLHFSRPQT